The following is an entry in ClinVar:

ClinVar aggregate classification (germline): Uncertain significance (1 of 4 stars; one submission).

gnomAD v4.1: 37 of 1,613,228 alleles (0.0023%); highest among the groups gnomAD compares: South Asian, 0.019%; no homozygotes.

Submission:

Labcorp Genetics (formerly Invitae), Labcorp
Classification: Uncertain significance. Last evaluated: 2025-07-16. Review status: criteria provided, single submitter. Criteria: Invitae Variant Classification Sherloc (09022015). Collection method: clinical testing. Allele origin: germline.
Comment: This sequence change replaces arginine, which is basic and polar, with glutamine, which is neutral and polar, at codon 175 of the CETP protein (p.Arg175Gln). This variant is present in population databases (rs145690607, gnomAD 0.03%). This missense change has been observed in individual(s) with hyperalphalipoproteinemia (PMID: 38039300). An algorithm developed to predict the effect of missense changes on protein structure and function (PolyPhen-2) suggests that this variant is likely to be tolerated. Experimental studies have shown that this missense change affects CETP function (PMID: 38039300). In summary, the available evidence is currently insufficient to determine the role of this variant in disease. Therefore, it has been classified as a Variant of Uncertain Significance.

Literature cited by the submitters: PubMed 38039300.

NM_000078.3(CETP):c.524G>A (p.Arg175Gln)

Gene: CETP (cholesteryl ester transfer protein; plus strand). Cytogenetic location: 16q13.
Variant type: single nucleotide variant.
Coding change: c.524G>A on transcript NM_000078.3 (MANE Select); coding-DNA position 524, G replaced by A.
Protein change: p.Arg175Gln; replaces arginine 175 with glutamine.
Molecular consequence: missense variant.
Genome position (GRCh38, 1-based): chr16:56,969,998, G>A. VCF-style: chr16-56969998-G-A. GRCh37 (hg19) VCF-style: chr16-57003910-G-A.
Other names: c.524G>A, p.Arg175Gln (NM_001286085.2); short protein forms R175Q.
Identifiers: ClinVar variation 4695525 (VCV004695525.1).